The following is an entry in ClinVar:

ClinVar aggregate classification (germline): Uncertain significance (1 of 4 stars; one submission).

Conditions:
Hereditary cancer-predisposing syndrome. Also called: Tumor predisposition; Neoplastic Syndromes, Hereditary; Hereditary Cancer Syndrome; Hereditary neoplastic syndrome. Identifiers: Orphanet 140162, MedGen C0027672, MeSH D009386, MONDO:0015356.

gnomAD v4.1: 1 of 1,594,546 alleles (0.000063%); highest among the groups gnomAD compares: Non-Finnish European, 0.000086%; no homozygotes.

Submission:

Ambry Genetics
Classification: Uncertain significance for Hereditary cancer-predisposing syndrome. Last evaluated: 2024-12-23. Review status: criteria provided, single submitter. Criteria: Ambry Variant Classification Scheme 2023. Collection method: clinical testing. Allele origin: germline.
Comment: The c.3202-40T>G intronic variant results from a T to G substitution 40 nucleotides upstream from coding exon 12 in the PALB2 gene. This nucleotide position is highly conserved in available vertebrate species. In silico splice site analysis for this alteration is inconclusive and direct evidence is insufficient at this time (Ambry internal data). Based on the available evidence, the clinical significance of this variant remains unclear.

NM_024675.4(PALB2):c.3202-40T>G

Gene: PALB2 (partner and localizer of BRCA2; minus strand). Cytogenetic location: 16p12.2.
Variant type: single nucleotide variant.
Coding change: c.3202-40T>G on transcript NM_024675.4 (MANE Select); 40 bases into the intron before coding-DNA position 3202, T replaced by G.
Molecular consequence: intron variant.
Genome position (GRCh38, 1-based): chr16:23,608,052, A>C on the plus strand (T>G on the coding strand, the complement: PALB2 is on the minus strand). VCF-style: chr16-23608052-A-C. GRCh37 (hg19) VCF-style: chr16-23619373-A-C.
Other names: c.2317-40T>G (NM_001407304.1, NM_001407306.1, NM_001407305.1); c.2229-4383T>G (NM_001407308.1, NM_001407309.1); c.736-40T>G (NM_001407314.1); c.1414-4383T>G (NM_001407313.1); c.1414-40T>G (NM_001407312.1); c.3142-40T>G (NM_001407296.1); c.3130-40T>G (NM_001407297.1); c.3040-4383T>G (NM_001407302.1); and 6 more.
Identifiers: ClinVar variation 3885188 (VCV003885188.1).